The following is an entry in ClinVar:

NM_005732.4(RAD50):c.2197G>A (p.Val733Met)

Gene: RAD50 (RAD50 double strand break repair protein; plus strand). Cytogenetic location: 5q31.1.
Variant type: single nucleotide variant.
Coding change: c.2197G>A on transcript NM_005732.4 (MANE Select); coding-DNA position 2197, G replaced by A.
Protein change: p.Val733Met; replaces valine 733 with methionine.
Molecular consequence: missense variant.
Genome position (GRCh38, 1-based): chr5:132,595,800, G>A. VCF-style: chr5-132595800-G-A. GRCh37 (hg19) VCF-style: chr5-131931492-G-A.
Other names: short protein forms V733M.
Identifiers: ClinVar variation 820869 (VCV000820869.16), dbSNP rs1315534097, ClinGen allele CA360950877.

ClinVar aggregate classification (germline): Uncertain significance. Review status: criteria provided, multiple submitters, no conflicts (2 of 4 stars). 3 submissions from 3 submitters: Uncertain significance (3). Last evaluated 2025-02-24.

Conditions:
Hereditary cancer-predisposing syndrome. Also called: Neoplastic Syndromes, Hereditary; Tumor predisposition; Hereditary Cancer Syndrome; Hereditary neoplastic syndrome. Identifiers: Orphanet 140162, MedGen C0027672, MeSH D009386, MONDO:0015356.
Nijmegen breakage syndrome-like disorder (NBSLD). Also called: MICROCEPHALY AND SPONTANEOUS CHROMOSOME INSTABILITY WITHOUT IMMUNODEFICIENCY; NBS-LIKE DISORDER; RAD50 DEFICIENCY. Identifiers: Orphanet 240760, MedGen C2751318, MONDO:0013118, OMIM 613078.

Allele frequency attached by ClinVar (database versions not stated): gnomAD exomes below 0.00001; TOPMed below 0.00001; gnomAD 0.00001.
gnomAD v4.1: 3 of 1,603,656 alleles (0.00019%); highest among the groups gnomAD compares: African/African-American, 0.0027%; no homozygotes.

Submissions (3):

Ambry Genetics
Classification: Uncertain significance for Hereditary cancer-predisposing syndrome. Last evaluated: 2025-02-24. Review status: criteria provided, single submitter. Criteria: Ambry Variant Classification Scheme 2023. Collection method: clinical testing. Allele origin: germline.
Comment: The p.V733M variant (also known as c.2197G>A), located in coding exon 13 of the RAD50 gene, results from a G to A substitution at nucleotide position 2197. The valine at codon 733 is replaced by methionine, an amino acid with highly similar properties. This amino acid position is not well conserved in available vertebrate species. In addition, this alteration is predicted to be tolerated by in silico analysis. Since supporting evidence is limited at this time, the clinical significance of this alteration remains unclear.

Labcorp Genetics (formerly Invitae), Labcorp
Classification: Uncertain significance for Hereditary cancer-predisposing syndrome. Last evaluated: 2023-09-30. Review status: criteria provided, single submitter. Criteria: Invitae Variant Classification Sherloc (09022015). Collection method: clinical testing. Allele origin: germline.
Comment: In summary, the available evidence is currently insufficient to determine the role of this variant in disease. Therefore, it has been classified as a Variant of Uncertain Significance. Advanced modeling of protein sequence and biophysical properties (such as structural, functional, and spatial information, amino acid conservation, physicochemical variation, residue mobility, and thermodynamic stability) performed at Invitae indicates that this missense variant is not expected to disrupt RAD50 protein function. ClinVar contains an entry for this variant (Variation ID: 820869). This variant has not been reported in the literature in individuals affected with RAD50-related conditions. This variant is present in population databases (no rsID available, gnomAD 0.003%). This sequence change replaces valine, which is neutral and non-polar, with methionine, which is neutral and non-polar, at codon 733 of the RAD50 protein (p.Val733Met).

Baylor Genetics
Classification: Uncertain significance for Nijmegen breakage syndrome-like disorder. Last evaluated: 2023-07-04. Review status: criteria provided, single submitter. Criteria: ACMG Guidelines, 2015. Collection method: clinical testing. Allele origin: unknown.